The following is an entry in ClinVar:

ClinVar aggregate classification (germline): Uncertain significance (1 of 4 stars; one submission).

Conditions:
Cardiovascular phenotype. Identifiers: MedGen CN230736.

gnomAD v4.1: 1 of 1,614,194 alleles (0.000062%); highest among the groups gnomAD compares: Non-Finnish European, 0.000085%; no homozygotes.

Submission:

Ambry Genetics
Classification: Uncertain significance for Cardiovascular phenotype. Last evaluated: 2023-10-29. Review status: criteria provided, single submitter. Criteria: Ambry Variant Classification Scheme 2023. Collection method: clinical testing. Allele origin: germline.
Comment: The p.V458L variant (also known as c.1372G>T), located in coding exon 12 of the ACTN2 gene, results from a G to T substitution at nucleotide position 1372. The valine at codon 458 is replaced by leucine, an amino acid with highly similar properties. This amino acid position is conserved. In addition, the in silico prediction for this alteration is inconclusive. Since supporting evidence is limited at this time, the clinical significance of this alteration remains unclear.

NM_001103.4(ACTN2):c.1372G>T (p.Val458Leu)

Gene: ACTN2 (actinin alpha 2; plus strand). Cytogenetic location: 1q43.
Variant type: single nucleotide variant.
Coding change: c.1372G>T on transcript NM_001103.4 (MANE Select); coding-DNA position 1372, G replaced by T.
Protein change: p.Val458Leu; replaces valine 458 with leucine.
Molecular consequence: missense variant. On other transcripts: non-coding transcript variant (1).
Genome position (GRCh38, 1-based): chr1:236,744,742, G>T. VCF-style: chr1-236744742-G-T. GRCh37 (hg19) VCF-style: chr1-236908042-G-T.
Other names: c.1372G>T, p.Val458Leu (NM_001278343.2); c.748G>T, p.Val250Leu (NM_001278344.2); c.622G>T, p.Val208Leu (NM_001412150.1); short protein forms V208L, V250L, V458L.
Identifiers: ClinVar variation 3232704 (VCV003232704.1), dbSNP rs895000018, ClinGen allele CA345382988.